The following is an entry in ClinVar:

NM_000038.6(APC):c.5988G>A (p.Gln1996=)

Gene: APC (APC regulator of Wnt signaling pathway; plus strand). Cytogenetic location: 5q22.2.
Variant type: single nucleotide variant.
Coding change: c.5988G>A on transcript NM_000038.6 (MANE Select); coding-DNA position 5988, G replaced by A.
Protein change: p.Gln1996=; no amino-acid change (glutamine 1996 retained).
Molecular consequence: synonymous variant. On other transcripts: non-coding transcript variant (2).
Genome position (GRCh38, 1-based): chr5:112,841,582, G>A. VCF-style: chr5-112841582-G-A. GRCh37 (hg19) VCF-style: chr5-112177279-G-A.
Other names: c.5988G>A, p.Gln1996= (NM_001127510.3, NM_001354895.2, NM_001407450.1); c.5934G>A, p.Gln1978= (NM_001127511.3); c.6042G>A, p.Gln2014= (NM_001354896.2, NM_001407447.1, NM_001407448.1 and 1 more transcripts); c.6018G>A, p.Gln2006= (NM_001354897.2); c.5913G>A, p.Gln1971= (NM_001354898.2); c.5904G>A, p.Gln1968= (NM_001354899.2); c.5865G>A, p.Gln1955= (NM_001354900.2); c.5811G>A, p.Gln1937= (NM_001354901.2, NM_001407453.1); and 11 more.
Identifiers: ClinVar variation 3253847 (VCV003253847.1), dbSNP rs2149954314.

ClinVar aggregate classification (germline): Benign (1 of 4 stars; one submission).

Conditions:
Familial adenomatous polyposis 1 (FAP1). Also called: POLYPOSIS, ADENOMATOUS INTESTINAL; FAMILIAL ADENOMATOUS POLYPOSIS 1, ATTENUATED. Identifiers: MedGen C2713442, MONDO:0021056, OMIM 175100. Disease mechanism: loss of function.

Submission:

Myriad Genetics, Inc.
Classification: Benign for Familial adenomatous polyposis 1. Last evaluated: 2024-04-03. Review status: criteria provided, single submitter. Criteria: Myriad Autosomal Dominant, Autosomal Recessive and X-Linked Classification Criteria (2023). Collection method: clinical testing. Allele origin: unknown.
Comment: This variant is considered benign. This variant is a silent/synonymous amino acid change and it is not expected to impact splicing.